The following is an entry in ClinVar:

NM_004186.5(SEMA3F):c.302T>C (p.Ile101Thr)

Gene: SEMA3F (semaphorin 3F; plus strand). Cytogenetic location: 3p21.31.
Variant type: single nucleotide variant.
Coding change: c.302T>C on transcript NM_004186.5 (MANE Select); coding-DNA position 302, T replaced by C.
Protein change: p.Ile101Thr; replaces isoleucine 101 with threonine.
Molecular consequence: missense variant.
Genome position (GRCh38, 1-based): chr3:50,174,080, T>C. VCF-style: chr3-50174080-T-C. GRCh37 (hg19) VCF-style: chr3-50211513-T-C.
Other names: c.98T>C, p.Ile33Thr (NM_001318798.2); c.302T>C, p.Ile101Thr (NM_001318800.2); short protein forms I101T, I33T.
Identifiers: ClinVar variation 4979658 (VCV004979658.1).

ClinVar aggregate classification (germline): Uncertain significance (1 of 4 stars; one submission).

Conditions:
SEMA3F-related disorder. Also called: SEMA3F-related condition.

gnomAD v4.1: 1 of 1,614,074 alleles (0.000062%); highest among the groups gnomAD compares: Non-Finnish European, 0.000085%; no homozygotes.

Submission:

PreventionGenetics, part of Exact Sciences
Classification: Uncertain significance for SEMA3F-related condition. Last evaluated: 2025-11-18. Review status: criteria provided, single submitter. Criteria: ACMG Guidelines, 2015. Collection method: clinical testing. Allele origin: germline.
Comment: The SEMA3F c.302T>C variant is predicted to result in the amino acid substitution p.Ile101Thr. To our knowledge, this variant has not been reported in the literature or in a large population database, indicating this variant is rare. At this time, the clinical significance of this variant is uncertain due to the absence of conclusive functional and genetic evidence.